The following is an entry in ClinVar:

NM_001009944.3(PKD1):c.2494del (p.Arg832fs)

Gene: PKD1 (polycystin 1, transient receptor potential channel interacting; minus strand). Cytogenetic location: 16p13.3.
Variant type: Deletion.
Coding change: c.2494del on transcript NM_001009944.3 (MANE Select); coding-DNA position 2494, one base deleted (C; older notation c.2494delC).
Protein change: p.Arg832fs; shifts the reading frame from arginine 832.
Molecular consequence: frameshift variant.
Genome position (GRCh38, 1-based): chr16:2,114,529, G deleted on the plus strand (C on the coding strand, the reverse complement: PKD1 is on the minus strand); the first of 6 consecutive G bases (chr16:2,114,529-2,114,534); deleting any one gives the same sequence. VCF-style (leftmost placement, unchanged base first): chr16-2114528-CG-C. GRCh37 (hg19) VCF-style: chr16-2164529-CG-C.
Other names: c.2494del, p.Arg832fs (NM_000296.4); c.2489delC, p.Arg832Alafs (NM_001009944.2); short protein forms R832fs.
Identifiers: ClinVar variation 2571820 (VCV002571820.2), dbSNP rs1567210630, ClinGen allele CA645597004.
Genomic context (GRCh38, chr16:2,114,528, plus strand): 5'-CCAGAGTCCACCTGGAGCACCAAGGCTGAGCCGTTGGTGGGCACGTAGAGGCGGCCGTCG[CG>C]GGGGGCAGGGTAGATGACCCGCAGCCCAGCCACTGGGGAGACCACGTCAAAGCTGCAGGA-3'

ClinVar aggregate classification (germline): Pathogenic. Review status: criteria provided, multiple submitters, no conflicts (2 of 4 stars). 2 submissions from 2 submitters: Pathogenic (2). Last evaluated 2023-07-06.

Conditions:
PKD1-related disorder. Also called: PKD1-related condition.

Submissions (2):

GeneDx
Classification: Pathogenic. Last evaluated: 2023-07-06. Review status: criteria provided, single submitter. Criteria: GeneDx Variant Classification Process June 2021. Collection method: clinical testing. Allele origin: germline. Affected: yes.
Comment: Frameshift variant predicted to result in protein truncation or nonsense mediated decay in a gene for which loss-of-function is a known mechanism of disease; Not observed at significant frequency in large population cohorts (gnomAD); Has not been previously published as pathogenic or benign to our knowledge

Blueprint Genetics
Classification: Pathogenic for PKD1-related disorders. Last evaluated: 2022-02-17. Review status: criteria provided, single submitter. Criteria: ACMG Guidelines, 2015. Collection method: clinical testing. Allele origin: germline. Affected: yes. Observed: 1 variant allele.